The following is an entry in ClinVar:

ClinVar aggregate classification (germline): Likely benign. Review status: criteria provided, single submitter (1 of 4 stars). 2 submissions from 2 submitters: Likely benign (1). 1 of the submissions does not count toward it. Last evaluated 2023-10-05.

Conditions:
Nephronophthisis. Also called: Juvenile Nephronophthisis. Identifiers: Orphanet 655, MedGen C0687120, MONDO:0019005, HP:0000090.
NPHP4-related disorder. Also called: NPHP4-related disorders; NPHP4-related condition. Identifiers: MedGen CN239384.

Allele frequency attached by ClinVar (database versions not stated): gnomAD 0.00001; gnomAD exomes 0.00001.
gnomAD v4.1: 14 of 1,613,810 alleles (0.00087%); highest among the groups gnomAD compares: Non-Finnish European, 0.001%; no homozygotes.

Submissions (2):

Labcorp Genetics (formerly Invitae), Labcorp
Classification: Likely benign for Nephronophthisis. Last evaluated: 2023-10-05. Review status: criteria provided, single submitter. Criteria: Invitae Variant Classification Sherloc (09022015). Collection method: clinical testing. Allele origin: germline.

PreventionGenetics, part of Exact Sciences
Classification: Likely benign for NPHP4-related condition. Last evaluated: 2021-02-02. Review status: no assertion criteria provided. Collection method: clinical testing. Allele origin: germline. Not counted in ClinVar's aggregate classification.
Comment: This variant is classified as likely benign based on ACMG/AMP sequence variant interpretation guidelines (Richards et al. 2015 PMID: 25741868, with internal and published modifications).

NM_015102.5(NPHP4):c.1716G>A (p.Pro572=)

Gene: NPHP4 (nephrocystin 4; minus strand). Cytogenetic location: 1p36.31.
Variant type: single nucleotide variant.
Coding change: c.1716G>A on transcript NM_015102.5 (MANE Select); coding-DNA position 1716, G replaced by A.
Protein change: p.Pro572=; no amino-acid change (proline 572 retained).
Molecular consequence: synonymous variant. On other transcripts: non-coding transcript variant (1).
Genome position (GRCh38, 1-based): chr1:5,905,679, C>T on the plus strand (G>A on the coding strand, the complement: NPHP4 is on the minus strand). VCF-style: chr1-5905679-C-T. GRCh37 (hg19) VCF-style: chr1-5965739-C-T.
Other names: c.177G>A, p.Pro59= (NM_001291593.2); c.180G>A, p.Pro60= (NM_001291594.2); c.1716G>A (NM_015102.4).
Identifiers: ClinVar variation 1545650 (VCV001545650.10), dbSNP rs980891508, ClinGen allele CA17124975.